The following is an entry in ClinVar:

NM_020911.2(PLXNA4):c.3123C>T (p.Thr1041=)

Gene: PLXNA4 (plexin A4; minus strand). Cytogenetic location: 7q32.3.
Variant type: single nucleotide variant.
Coding change: c.3123C>T on transcript NM_020911.2 (MANE Select); coding-DNA position 3123, C replaced by T.
Protein change: p.Thr1041=; no amino-acid change (threonine 1041 retained).
Molecular consequence: synonymous variant.
Genome position (GRCh38, 1-based): chr7:132,185,334, G>A on the plus strand (C>T on the coding strand, the complement: PLXNA4 is on the minus strand). VCF-style: chr7-132185334-G-A. GRCh37 (hg19) VCF-style: chr7-131870093-G-A.
Other names: c.3123C>T, p.Thr1041= (NM_001393897.1).
Identifiers: ClinVar variation 3054811 (VCV003054811.2), dbSNP rs374327789, ClinGen allele CA4489608.

ClinVar aggregate classification (germline): Likely benign (0 of 4 stars; one submission).

Conditions:
PLXNA4-related disorder. Also called: PLXNA4-related condition.

Allele frequency attached by ClinVar (database versions not stated): gnomAD 0.00001; TOPMed 0.00001; ExAC 0.00002; gnomAD exomes 0.00006; ESP Exome Variant Server 0.00008.
gnomAD v4.1: 90 of 1,613,816 alleles (0.0056%); highest among the groups gnomAD compares: Non-Finnish European, 0.0073%; no homozygotes.

Submission:

PreventionGenetics, part of Exact Sciences
Classification: Likely benign for PLXNA4-related condition. Last evaluated: 2023-06-30. Review status: no assertion criteria provided. Collection method: clinical testing. Allele origin: germline.
Comment: This variant is classified as likely benign based on ACMG/AMP sequence variant interpretation guidelines (Richards et al. 2015 PMID: 25741868, with internal and published modifications).